The following is an entry in ClinVar:

ClinVar aggregate classification (germline): Uncertain significance (1 of 4 stars; one submission).

Conditions:
Neuronopathy, distal hereditary motor, autosomal recessive 4. Also called: NEUROPATHY, DISTAL HEREDITARY MOTOR, AUTOSOMAL RECESSIVE 4; Autosomal recessive lower motor neuron disease with childhood onset. Identifiers: Orphanet 206580, MedGen C1970211, MONDO:0012608, OMIM 611067.
Charcot-Marie-Tooth disease recessive intermediate C. Also called: CHARCOT-MARIE-TOOTH NEUROPATHY, RECESSIVE INTERMEDIATE C. Identifiers: Orphanet 369867, MedGen C3809309, MONDO:0014154, OMIM 615376.

Allele frequency attached by ClinVar (database versions not stated): gnomAD exomes below 0.00001; gnomAD 0.00001; TOPMed 0.00001.
gnomAD v4.1: 3 of 1,613,766 alleles (0.00019%); highest among the groups gnomAD compares: African/African-American, 0.0027%; no homozygotes.

Submission:

Labcorp Genetics (formerly Invitae), Labcorp
Classification: Uncertain significance for Neuronopathy, distal hereditary motor, autosomal recessive 4; Charcot-Marie-Tooth disease recessive intermediate C. Last evaluated: 2022-08-23. Review status: criteria provided, single submitter. Criteria: Invitae Variant Classification Sherloc (09022015). Collection method: clinical testing. Allele origin: germline.
Comment: This sequence change replaces asparagine, which is neutral and polar, with serine, which is neutral and polar, at codon 681 of the PLEKHG5 protein (p.Asn681Ser). This variant is present in population databases (no rsID available, gnomAD 0.007%). This variant has not been reported in the literature in individuals affected with PLEKHG5-related conditions. ClinVar contains an entry for this variant (Variation ID: 653327). Algorithms developed to predict the effect of missense changes on protein structure and function (SIFT, PolyPhen-2, Align-GVGD) all suggest that this variant is likely to be tolerated. Algorithms developed to predict the effect of sequence changes on RNA splicing suggest that this variant may create or strengthen a splice site. In summary, the available evidence is currently insufficient to determine the role of this variant in disease. Therefore, it has been classified as a Variant of Uncertain Significance.

NM_020631.6(PLEKHG5):c.2042A>G (p.Asn681Ser)

Gene: PLEKHG5 (pleckstrin homology and RhoGEF domain containing G5; minus strand). Cytogenetic location: 1p36.31.
Variant type: single nucleotide variant.
Coding change: c.2042A>G on transcript NM_020631.6 (MANE Select); coding-DNA position 2042, A replaced by G.
Protein change: p.Asn681Ser; replaces asparagine 681 with serine.
Molecular consequence: missense variant.
Genome position (GRCh38, 1-based): chr1:6,469,342, T>C on the plus strand (A>G on the coding strand, the complement: PLEKHG5 is on the minus strand). VCF-style: chr1-6469342-T-C. GRCh37 (hg19) VCF-style: chr1-6529402-T-C.
Other names: c.2153A>G, p.Asn718Ser (NM_001042663.3, NM_001265592.2); c.2042A>G, p.Asn681Ser (NM_001042664.2, NM_001042665.2, NM_001265594.3 and 1 more transcripts); c.2249A>G, p.Asn750Ser (NM_001265593.2); short protein forms N750S, N681S, N718S.
Identifiers: ClinVar variation 653327 (VCV000653327.6), dbSNP rs936501984, ClinGen allele CA17235148.
Genomic context (GRCh38, chr1:6,469,342, plus strand): 5'-GACCAGCATCTCCCTAATCTGCCTTGCCCACCCACTCACTACTCTGCACTCACCTGGGCA[T>C]TGTAAATGGTGTCCACCCAGCCACGGCACAAGGCCTGGCCACTGGCCTGGAACGTGTAGG-3'
Protein context (NP_065682.2, residues 671-691): LCRGWVDTIY[Asn681Ser]AQNQLQQLRA